The following is an entry in ClinVar:

ClinVar aggregate classification (germline): Conflicting classifications of pathogenicity. Review status: criteria provided, conflicting classifications (1 of 4 stars). 4 submissions from 4 submitters: Uncertain significance (3); Likely benign (1). Last evaluated 2025-09-18.

Conditions:
Early-infantile DEE. Also called: Early infantile epileptic encephalopathy with suppression bursts; Early infantile epileptic encephalopathy; Ohtahara syndrome. Identifiers: Orphanet 1934, MedGen C0393706, MONDO:0800491.
Inborn genetic diseases. Identifiers: MedGen C0950123, MeSH D030342.

Submissions (4):

Ambry Genetics
Classification: Uncertain significance for Inborn genetic diseases. Last evaluated: 2025-09-18. Review status: criteria provided, single submitter. Criteria: Ambry Variant Classification Scheme 2023. Collection method: clinical testing. Allele origin: germline.
Comment: The c.4339-5G>A intronic alteration results from a G to A substitution 5 nucleotides before coding exon 23 of the SCN1A gene. This variant was not reported in population-based cohorts in the Genome Aggregation Database (gnomAD). This nucleotide position is well conserved in available vertebrate species. In silico splice site analysis predicts that this alteration will result in the creation or strengthening of a novel splice acceptor site. Based on insufficient or conflicting evidence, the clinical significance of this alteration remains unclear.

Labcorp Genetics (formerly Invitae), Labcorp
Classification: Uncertain significance for Early-infantile DEE. Last evaluated: 2023-04-09. Review status: criteria provided, single submitter. Criteria: Invitae Variant Classification Sherloc (09022015). Collection method: clinical testing. Allele origin: germline.
Comment: This sequence change falls in intron 22 of the SCN1A gene. It does not directly change the encoded amino acid sequence of the SCN1A protein. This variant is not present in population databases (gnomAD no frequency). This variant has been observed in individual(s) with Dravet syndrome (Invitae). ClinVar contains an entry for this variant (Variation ID: 386726). Algorithms developed to predict the effect of sequence changes on RNA splicing suggest that this variant may create or strengthen a splice site. In summary, the available evidence is currently insufficient to determine the role of this variant in disease. Therefore, it has been classified as a Variant of Uncertain Significance.

Eurofins Ntd Llc (ga)
Classification: Uncertain significance. Last evaluated: 2016-09-30. Review status: criteria provided, single submitter. Criteria: EGL Classification Definitions 2015. Collection method: clinical testing. Allele origin: germline. Observed: 1 variant allele, 1 heterozygote.

GeneDx
Classification: Likely benign. Last evaluated: 2016-06-07. Review status: criteria provided, single submitter. Criteria: GeneDx Variant Classification (06012015). Collection method: clinical testing. Allele origin: germline. Affected: yes.
Comment: This variant is considered likely benign or benign based on one or more of the following criteria: it is a conservative change, it occurs at a poorly conserved position in the protein, it is predicted to be benign by multiple in silico algorithms, and/or has population frequency not consistent with disease.

NM_001165963.4(SCN1A):c.4339-5G>A

Genes: SCN1A (sodium voltage-gated channel alpha subunit 1; minus strand), LOC102724058 (uncharacterized LOC102724058; plus strand). Cytogenetic location: 2q24.3.
Variant type: single nucleotide variant.
Coding change: c.4339-5G>A on transcript NM_001165963.4 (MANE Select); 5 bases into the intron before coding-DNA position 4339, G replaced by A.
Molecular consequence: intron variant.
Genome position (GRCh38, 1-based): chr2:165,998,180, C>T on the plus strand (G>A on the coding strand, the complement: SCN1A is on the minus strand). VCF-style: chr2-165998180-C-T. GRCh37 (hg19) VCF-style: chr2-166854690-C-T.
Other names: c.4306-5G>A (NM_001353949.2, NM_001353950.2, NM_001353951.2 and 2 more transcripts); c.4255-5G>A (NM_001353958.2, NM_001353957.2, NM_001165964.3); c.4339-5G>A (NM_001202435.3, NM_001353948.2); c.4303-5G>A (NM_001353955.2, NM_001353954.2); c.4252-5G>A (NM_001353960.2); c.1897-5G>A (NM_001353961.2).
Identifiers: ClinVar variation 386726 (VCV000386726.9), dbSNP rs1057522587, ClinGen allele CA16603836.